The following is an entry in ClinVar:

NM_001127208.3(TET2):c.637G>C (p.Val213Leu)

Genes: TET2 (tet methylcytosine dioxygenase 2; plus strand), TET2-AS1 (TET2 antisense RNA 1; minus strand). Cytogenetic location: 4q24.
Variant type: single nucleotide variant.
Coding change: c.637G>C on transcript NM_001127208.3 (MANE Select); coding-DNA position 637, G replaced by C.
Protein change: p.Val213Leu; replaces valine 213 with leucine.
Molecular consequence: missense variant.
Genome position (GRCh38, 1-based): chr4:105,234,579, G>C. VCF-style: chr4-105234579-G-C. GRCh37 (hg19) VCF-style: chr4-106155736-G-C.
Other names: c.637G>C, p.Val213Leu (NM_017628.4); short protein forms V213L.
Identifiers: ClinVar variation 4594132 (VCV004594132.1).

ClinVar aggregate classification (germline): Uncertain significance (1 of 4 stars; one submission).

Submission:

Ambry Genetics
Classification: Uncertain significance. Last evaluated: 2025-09-29. Review status: criteria provided, single submitter. Criteria: Ambry Variant Classification Scheme 2023. Collection method: clinical testing. Allele origin: germline.
Comment: The p.V213L variant (also known as c.637G>C), located in coding exon 1 of the TET2 gene, results from a G to C substitution at nucleotide position 637. The valine at codon 213 is replaced by leucine, an amino acid with highly similar properties. This amino acid position is conserved. In addition, this alteration is predicted to be tolerated by in silico analysis. Based on the available evidence, the clinical significance of this variant remains unclear.